The following is an entry in ClinVar:

ClinVar aggregate classification (germline): Uncertain significance (1 of 4 stars; one submission).

Conditions:
PLXNA3-related disorder. Also called: PLXNA3-related condition.

Submissions (2):

PreventionGenetics, part of Exact Sciences
Classification: Uncertain significance for PLXNA3-related condition. Last evaluated: 2026-05-22. Review status: criteria provided, single submitter. Criteria: ACMG Guidelines, 2015. Collection method: clinical testing. Allele origin: germline.
Comment: The PLXNA3 c.913G>T variant is predicted to result in the amino acid substitution p.Ala305Ser. To our knowledge, this variant has not been reported in the literature or in a large population database (gnomAD), indicating this variant is rare. At this time, the clinical significance of this variant is uncertain due to the absence of conclusive functional and genetic evidence.

Dr. Peter K. Rogan Lab, Western University
No classification provided (evidence only). Condition: Thyroid cancer, nonmedullary, 1. Review status: no classification provided. Collection method: in vitro. Allele origin: not applicable. Functional consequence: retained intron. Not counted in ClinVar's aggregate classification.

NM_017514.5(PLXNA3):c.913G>T (p.Ala305Ser)

Gene: PLXNA3 (plexin A3; plus strand). Cytogenetic location: Xq28.
Variant type: single nucleotide variant.
Coding change: c.913G>T on transcript NM_017514.5 (MANE Select); coding-DNA position 913, G replaced by T.
Protein change: p.Ala305Ser; replaces alanine 305 with serine.
Molecular consequence: missense variant.
Genome position (GRCh38, 1-based): chrX:154,461,417, G>T. VCF-style: chrX-154461417-G-T. GRCh37 (hg19) VCF-style: chrX-153689757-G-T.
Other names: NC_000023.10:g.153689757G>T; short protein forms A305S.
Identifiers: ClinVar variation 4479228 (VCV004479228.2).
Genomic context (GRCh38, chrX:154,461,417, plus strand): 5'-CGCGGCGTGGAGTACCGCTTGGTGCAGAGCGCCCACCTGGCCAAGCCTGGCCTGCTGCTG[G>T]CCCAGGCCCTGGGCGTGCCGGCTGATGAGGACGTCCTCTTCACCATCTTCTCTCAGGGCC-3'
Protein context (NP_059984.3, residues 295-315): AHLAKPGLLL[Ala305Ser]QALGVPADED